The following is an entry in ClinVar:

NM_001355436.2(SPTB):c.5528G>C (p.Arg1843Pro)

Gene: SPTB (spectrin beta, erythrocytic; minus strand). Cytogenetic location: 14q23.3.
Variant type: single nucleotide variant.
Coding change: c.5528G>C on transcript NM_001355436.2 (MANE Select); coding-DNA position 5528, G replaced by C.
Protein change: p.Arg1843Pro; replaces arginine 1843 with proline.
Molecular consequence: missense variant.
Genome position (GRCh38, 1-based): chr14:64,772,605, C>G on the plus strand (G>C on the coding strand, the complement: SPTB is on the minus strand). VCF-style: chr14-64772605-C-G. GRCh37 (hg19) VCF-style: chr14-65239323-C-G.
Other names: c.5528G>C, p.Arg1843Pro (NM_001024858.4, NM_001355437.2); short protein forms R1843P.
Identifiers: ClinVar variation 4685694 (VCV004685694.1).

ClinVar aggregate classification (germline): Uncertain significance (1 of 4 stars; one submission).

Submission:

ARUP Laboratories, Molecular Genetics and Genomics, ARUP Laboratories
Classification: Uncertain significance. Last evaluated: 2025-03-14. Review status: criteria provided, single submitter. Criteria: ARUP Molecular Germline Variant Investigation Process 2024. Collection method: clinical testing. Allele origin: germline.
Comment: The SPTB c.5528G>C; p.Arg1843Pro variant, to our knowledge, is not reported in the medical literature or gene specific databases. This variant is also absent from the Genome Aggregation Database (v2.1.1), indicating it is not a common polymorphism. Computational analyses are uncertain whether this variant is neutral or deleterious (REVEL: 0.305). Due to limited information, the clinical significance of this variant is uncertain at this time.